The following is an entry in ClinVar:

NM_212482.4(FN1):c.3708C>A (p.Asn1236Lys)

Gene: FN1 (fibronectin 1; minus strand). Cytogenetic location: 2q35.
Variant type: single nucleotide variant.
Coding change: c.3708C>A on transcript NM_212482.4 (MANE Select); coding-DNA position 3708, C replaced by A.
Protein change: p.Asn1236Lys; replaces asparagine 1236 with lysine.
Molecular consequence: missense variant.
Genome position (GRCh38, 1-based): chr2:215,394,616, G>T on the plus strand (C>A on the coding strand, the complement: FN1 is on the minus strand). VCF-style: chr2-215394616-G-T. GRCh37 (hg19) VCF-style: chr2-216259339-G-T.
Other names: c.3708C>A, p.Asn1236Lys (NM_001306129.2, NM_001306130.2, NM_001306131.2 and 13 more transcripts); short protein forms N1236K.
Identifiers: ClinVar variation 3613094 (VCV003613094.2).

ClinVar aggregate classification (germline): Uncertain significance (1 of 4 stars; one submission).

gnomAD v4.1: 4 of 1,613,978 alleles (0.00025%); highest among the groups gnomAD compares: Non-Finnish European, 0.00034%; no homozygotes.

Submission:

Labcorp Genetics (formerly Invitae), Labcorp
Classification: Uncertain significance. Last evaluated: 2024-11-27. Review status: criteria provided, single submitter. Criteria: Invitae Variant Classification Sherloc (09022015). Collection method: clinical testing. Allele origin: germline.
Comment: This sequence change replaces asparagine, which is neutral and polar, with lysine, which is basic and polar, at codon 1236 of the FN1 protein (p.Asn1236Lys). This variant is not present in population databases (gnomAD no frequency). This variant has not been reported in the literature in individuals affected with FN1-related conditions. An algorithm developed to predict the effect of missense changes on protein structure and function (PolyPhen-2) suggests that this variant is likely to be disruptive. In summary, the available evidence is currently insufficient to determine the role of this variant in disease. Therefore, it has been classified as a Variant of Uncertain Significance.